The following is an entry in ClinVar:

NM_001330260.2(SCN8A):c.4393G>A (p.Asp1465Asn)

Gene: SCN8A (sodium voltage-gated channel alpha subunit 8; plus strand). Cytogenetic location: 12q13.13.
Variant type: single nucleotide variant.
Coding change: c.4393G>A on transcript NM_001330260.2 (MANE Select); coding-DNA position 4393, G replaced by A.
Protein change: p.Asp1465Asn; replaces aspartic acid 1465 with asparagine.
Molecular consequence: missense variant.
Genome position (GRCh38, 1-based): chr12:51,789,392, G>A. VCF-style: chr12-51789392-G-A. GRCh37 (hg19) VCF-style: chr12-52183176-G-A.
Other names: c.4270G>A, p.Asp1424Asn (NM_001177984.3, NM_001369788.1); c.4393G>A, p.Asp1465Asn (NM_014191.4); short protein forms D1424N, D1465N.
Identifiers: ClinVar variation 934328 (VCV000934328.11), dbSNP rs1938178701, ClinGen allele CA384908558.
Genomic context (GRCh38, chr12:51,789,392, plus strand): 5'-GTCATCTTCATCATCTTCGGCTCCTTCTTCACCCTGAACCTGTTCATTGGTGTCATCATT[G>A]ATAACTTCAATCAACAAAAGAAAAAGATAGGTCTCCTCCCCTCATTGCCAGTGGTTGGAA-3'
Protein context (NP_001317189.1, residues 1455-1475): TLNLFIGVII[Asp1465Asn]NFNQQKKKFG

ClinVar aggregate classification (germline): Pathogenic/Likely pathogenic. Review status: criteria provided, multiple submitters, no conflicts (2 of 4 stars). 2 submissions from 2 submitters: Pathogenic (1); Likely pathogenic (1). Last evaluated 2025-08-21.

Conditions:
Early-infantile DEE. Also called: Early infantile epileptic encephalopathy; Early infantile epileptic encephalopathy with suppression bursts; Ohtahara syndrome. Identifiers: Orphanet 1934, MedGen C0393706, MONDO:0800491.

Submissions (2):

Labcorp Genetics (formerly Invitae), Labcorp
Classification: Pathogenic for Early-infantile DEE. Last evaluated: 2025-08-21. Review status: criteria provided, single submitter. Criteria: Invitae Variant Classification Sherloc (09022015). Collection method: clinical testing. Allele origin: germline.
Comment: This sequence change replaces aspartic acid, which is acidic and polar, with asparagine, which is neutral and polar, at codon 1465 of the SCN8A protein (p.Asp1465Asn). This variant is not present in population databases (gnomAD no frequency). This missense change has been observed in individual(s) with clinical features of SCN8A-related conditions (PMID: 34431999; internal data). In at least one individual the variant was observed to be de novo. ClinVar contains an entry for this variant (Variation ID: 934328). Invitae Evidence Modeling of protein sequence and biophysical properties (such as structural, functional, and spatial information, amino acid conservation, physicochemical variation, residue mobility, and thermodynamic stability) indicates that this missense variant is expected to disrupt SCN8A protein function with a positive predictive value of 95%. For these reasons, this variant has been classified as Pathogenic.

Laboratorio de Genetica e Diagnostico Molecular, Hospital Israelita Albert Einstein
Classification: Likely pathogenic. Last evaluated: 2021-06-17. Review status: criteria provided, single submitter. Criteria: ACMG Guidelines, 2015. Collection method: clinical testing. Allele origin: germline. Affected: yes.
Comment: ACMG classification criteria: PS4, PM1, PM2, PP3

Literature cited by the submitters: PubMed 34431999 (cited by Labcorp Genetics (formerly Invitae), Labcorp).